The following is an entry in ClinVar:

NM_020832.3(ZNF687):c.3688C>T (p.Arg1230Trp)

Gene: ZNF687 (zinc finger protein 687; plus strand). Cytogenetic location: 1q21.3.
Variant type: single nucleotide variant.
Coding change: c.3688C>T on transcript NM_020832.3 (MANE Select); coding-DNA position 3688, C replaced by T.
Protein change: p.Arg1230Trp; replaces arginine 1230 with tryptophan.
Molecular consequence: missense variant.
Genome position (GRCh38, 1-based): chr1:151,291,183, C>T. VCF-style: chr1-151291183-C-T. GRCh37 (hg19) VCF-style: chr1-151263659-C-T.
Other names: c.3688C>T, p.Arg1230Trp (NM_001304763.2, NM_001304764.2); short protein forms R1230W.
Identifiers: ClinVar variation 2188094 (VCV002188094.4), dbSNP rs777339576, ClinGen allele CA1088927.
Genomic context (GRCh38, chr1:151,291,183, plus strand): 5'-GACAGCCCTCTAAACCTCAAGACCCACTTCCGCACGCATGGCATGGCGTTCATCAGGGCT[C>T]GGCAGGGGGCTGTTGGGGACAACTAGTCTCCAAGGCCTGGGACTGACCAGCCCCTTCCTC-3'
Protein context (NP_065883.1, residues 1220-1237): RTHGMAFIRA[Arg1230Trp]QGAVGDN

ClinVar aggregate classification (germline): Uncertain significance (1 of 4 stars; one submission).

Allele frequency attached by ClinVar (database versions not stated): ExAC 0.00005; TOPMed 0.00005; gnomAD 0.00009; 1000 Genomes Project 30x 0.00016.
gnomAD v4.1: 82 of 1,611,990 alleles (0.0051%); highest among the groups gnomAD compares: Admixed American, 0.033%; no homozygotes.

Submission:

Labcorp Genetics (formerly Invitae), Labcorp
Classification: Uncertain significance. Last evaluated: 2025-04-20. Review status: criteria provided, single submitter. Criteria: Invitae Variant Classification Sherloc (09022015). Collection method: clinical testing. Allele origin: germline.
Comment: This sequence change replaces arginine, which is basic and polar, with tryptophan, which is neutral and slightly polar, at codon 1230 of the ZNF687 protein (p.Arg1230Trp). This variant is present in population databases (rs777339576, gnomAD 0.04%). This variant has not been reported in the literature in individuals affected with ZNF687-related conditions. ClinVar contains an entry for this variant (Variation ID: 2188094). An algorithm developed to predict the effect of missense changes on protein structure and function (PolyPhen-2) suggests that this variant is likely to be tolerated. In summary, the available evidence is currently insufficient to determine the role of this variant in disease. Therefore, it has been classified as a Variant of Uncertain Significance.